The following is an entry in ClinVar:

ClinVar aggregate classification (germline): Uncertain significance. Review status: criteria provided, multiple submitters, no conflicts (2 of 4 stars). 5 submissions from 5 submitters: Uncertain significance (5). Last evaluated 2026-02-01.

Conditions:
Dilated cardiomyopathy 1GG (CMD1GG). Identifiers: Orphanet 154, MedGen C3150898, MONDO:0013339, OMIM 613642.
Neurodegeneration with ataxia and late-onset optic atrophy. Identifiers: MedGen C5543254, MONDO:0031006, OMIM 619259.
Mitochondrial complex II deficiency, nuclear type 1. Also called: SUCCINATE CoQ REDUCTASE DEFICIENCY. Identifiers: Orphanet 3208, MedGen C5700310, MONDO:0100294, OMIM 252011.
Pheochromocytoma/paraganglioma syndrome 5. Also called: Paragangliomas 5; SDHA-Related Hereditary Paraganglioma-Pheochromocytoma Syndrome. Identifiers: Orphanet 29072, MedGen C3279992, MONDO:0013602, OMIM 614165.
Hereditary cancer-predisposing syndrome. Also called: Neoplastic Syndromes, Hereditary; Tumor predisposition; Hereditary neoplastic syndrome; Hereditary Cancer Syndrome. Identifiers: Orphanet 140162, MedGen C0027672, MeSH D009386, MONDO:0015356.

Allele frequency attached by ClinVar (database versions not stated): gnomAD 0.00001; TOPMed 0.00001; gnomAD exomes 0.00002 and 0.00003; ExAC 0.00003.
gnomAD v4.1: 39 of 1,613,318 alleles (0.0024%); highest among the groups gnomAD compares: Middle Eastern, 0.017%; no homozygotes.

Submissions (5):

Labcorp Genetics (formerly Invitae), Labcorp
Classification: Uncertain significance for Pheochromocytoma/paraganglioma syndrome 5; Mitochondrial complex II deficiency, nuclear type 1. Last evaluated: 2026-02-01. Review status: criteria provided, single submitter. Criteria: Invitae Variant Classification Sherloc (09022015). Collection method: clinical testing. Allele origin: germline.
Comment: This sequence change replaces threonine, which is neutral and polar, with methionine, which is neutral and non-polar, at codon 560 of the SDHA protein (p.Thr560Met). This variant is present in population databases (rs775350508, gnomAD 0.005%). This variant has not been reported in the literature in individuals affected with SDHA-related conditions. ClinVar contains an entry for this variant (Variation ID: 539635). Invitae Evidence Modeling of protein sequence and biophysical properties (such as structural, functional, and spatial information, amino acid conservation, physicochemical variation, residue mobility, and thermodynamic stability) has been performed for this missense variant. However, the output from this modeling did not meet the statistical confidence thresholds required to predict the impact of this variant on SDHA protein function. In summary, the available evidence is currently insufficient to determine the role of this variant in disease. Therefore, it has been classified as a Variant of Uncertain Significance.

Ambry Genetics
Classification: Uncertain significance for Hereditary cancer-predisposing syndrome. Last evaluated: 2024-10-03. Review status: criteria provided, single submitter. Criteria: Ambry Variant Classification Scheme 2023. Collection method: clinical testing. Allele origin: germline.
Comment: The p.T560M variant (also known as c.1679C>T), located in coding exon 13 of the SDHA gene, results from a C to T substitution at nucleotide position 1679. The threonine at codon 560 is replaced by methionine, an amino acid with similar properties. This amino acid position is highly conserved in available vertebrate species. In addition, this alteration is predicted to be deleterious by in silico analysis. Based on the available evidence, the clinical significance of this variant remains unclear.

Fulgent Genetics
Classification: Uncertain significance for Mitochondrial complex II deficiency, nuclear type 1; Dilated cardiomyopathy 1GG; Pheochromocytoma/paraganglioma syndrome 5; Neurodegeneration with ataxia and late-onset optic atrophy. Last evaluated: 2024-01-16. Review status: criteria provided, single submitter. Criteria: ACMG Guidelines, 2015. Collection method: clinical testing. Allele origin: germline.

Baylor Genetics
Classification: Uncertain significance for Dilated cardiomyopathy 1GG. Last evaluated: 2023-08-14. Review status: criteria provided, single submitter. Criteria: ACMG Guidelines, 2015. Collection method: clinical testing. Allele origin: unknown.

GeneDx
Classification: Uncertain significance. Last evaluated: 2023-07-05. Review status: criteria provided, single submitter. Criteria: GeneDx Variant Classification Process June 2021. Collection method: clinical testing. Allele origin: germline. Affected: yes.
Comment: Not observed at significant frequency in large population cohorts (gnomAD); In silico analysis supports that this missense variant has a deleterious effect on protein structure/function; Has not been previously published as pathogenic or benign to our knowledge; This variant is associated with the following publications: (PMID: 34870338)

NM_004168.4(SDHA):c.1679C>T (p.Thr560Met)

Gene: SDHA (succinate dehydrogenase complex flavoprotein subunit A; plus strand). Cytogenetic location: 5p15.33.
Variant type: single nucleotide variant.
Coding change: c.1679C>T on transcript NM_004168.4 (MANE Select); coding-DNA position 1679, C replaced by T.
Protein change: p.Thr560Met; replaces threonine 560 with methionine.
Molecular consequence: missense variant. On other transcripts: intron variant (1).
Genome position (GRCh38, 1-based): chr5:251,353, C>T. VCF-style: chr5-251353-C-T. GRCh37 (hg19) VCF-style: chr5-251468-C-T.
Other names: c.1535C>T, p.Thr512Met (NM_001294332.2); c.1552-3040C>T (NM_001330758.2); short protein forms T560M, T512M.
Identifiers: ClinVar variation 539635 (VCV000539635.21), dbSNP rs775350508, ClinGen allele CA3173334.